The following is an entry in ClinVar:

NM_001567.4(INPPL1):c.2750G>A (p.Arg917His)

Gene: INPPL1 (inositol polyphosphate phosphatase like 1; plus strand). Cytogenetic location: 11q13.4.
Variant type: single nucleotide variant.
Coding change: c.2750G>A on transcript NM_001567.4 (MANE Select); coding-DNA position 2750, G replaced by A.
Protein change: p.Arg917His; replaces arginine 917 with histidine.
Molecular consequence: missense variant.
Genome position (GRCh38, 1-based): chr11:72,235,857, G>A. VCF-style: chr11-72235857-G-A. GRCh37 (hg19) VCF-style: chr11-71946901-G-A.
Other names: short protein forms R917H.
Identifiers: ClinVar variation 1926855 (VCV001926855.3), dbSNP rs748853590, ClinGen allele CA6170459.

ClinVar aggregate classification (germline): Uncertain significance (1 of 4 stars; one submission).

Allele frequency attached by ClinVar (database versions not stated): TOPMed below 0.00001; gnomAD 0.00001; ExAC 0.00004.
gnomAD v4.1: 28 of 1,612,324 alleles (0.0017%); highest among the groups gnomAD compares: South Asian, 0.0077%; no homozygotes.

Submission:

Labcorp Genetics (formerly Invitae), Labcorp
Classification: Uncertain significance. Last evaluated: 2021-12-01. Review status: criteria provided, single submitter. Criteria: Invitae Variant Classification Sherloc (09022015). Collection method: clinical testing. Allele origin: germline.
Comment: In summary, the available evidence is currently insufficient to determine the role of this variant in disease. Therefore, it has been classified as a Variant of Uncertain Significance. Algorithms developed to predict the effect of missense changes on protein structure and function (SIFT, PolyPhen-2, Align-GVGD) all suggest that this variant is likely to be tolerated. This variant has not been reported in the literature in individuals affected with INPPL1-related conditions. This variant is present in population databases (rs748853590, gnomAD 0.01%). This sequence change replaces arginine, which is basic and polar, with histidine, which is basic and polar, at codon 917 of the INPPL1 protein (p.Arg917His).